The following is an entry in ClinVar:

ClinVar aggregate classification (germline): Benign (1 of 4 stars; one submission).

Allele frequency attached by ClinVar (database versions not stated): gnomAD exomes 0.00043; ExAC 0.00131; 1000 Genomes Project 0.00200; 1000 Genomes Project 30x 0.00203; gnomAD 0.00301; TOPMed 0.00347; ESP Exome Variant Server 0.00366.

Submission:

CeGaT Center for Human Genetics Tuebingen
Classification: Benign. Last evaluated: 2023-05-01. Review status: criteria provided, single submitter. Criteria: CeGaT Center For Human Genetics Tuebingen Variant Classification Criteria Version 2. Collection method: clinical testing. Allele origin: germline. Affected: yes. Observed: 1 variant allele.
Comment: LINC01140: BS1, BS2

NR_026985.1(LINC01140):n.578T>C

Gene: LINC01140 (long independently transcribed non-coding RNA 1140; plus strand). Cytogenetic location: 1p22.3.
Variant type: single nucleotide variant.
Molecular consequence: non-coding transcript variant (on NR_026985.1).
Genome position: GRCh38 VCF-style: chr1-87133657-T-C. GRCh37 (hg19) VCF-style: chr1-87599340-T-C.
Identifiers: ClinVar variation 2638915 (VCV002638915.24), dbSNP rs140514023, ClinGen allele CA937040.